The following is an entry in ClinVar:

NM_002204.4(ITGA3):c.997G>A (p.Glu333Lys)

Gene: ITGA3 (integrin subunit alpha 3; plus strand). Cytogenetic location: 17q21.33.
Variant type: single nucleotide variant.
Coding change: c.997G>A on transcript NM_002204.4 (MANE Select); coding-DNA position 997, G replaced by A.
Protein change: p.Glu333Lys; replaces glutamic acid 333 with lysine.
Molecular consequence: missense variant.
Genome position (GRCh38, 1-based): chr17:50,072,023, G>A. VCF-style: chr17-50072023-G-A. GRCh37 (hg19) VCF-style: chr17-48149387-G-A.
Other names: short protein forms E333K.
Identifiers: ClinVar variation 4705302 (VCV004705302.1).

ClinVar aggregate classification (germline): Uncertain significance (1 of 4 stars; one submission).

Submission:

Labcorp Genetics (formerly Invitae), Labcorp
Classification: Uncertain significance. Last evaluated: 2026-01-05. Review status: criteria provided, single submitter. Criteria: Invitae Variant Classification Sherloc (09022015). Collection method: clinical testing. Allele origin: germline.
Comment: This sequence change replaces glutamic acid, which is acidic and polar, with lysine, which is basic and polar, at codon 333 of the ITGA3 protein (p.Glu333Lys). This variant is present in population databases (rs746096651, gnomAD 0.03%). This variant has not been reported in the literature in individuals affected with ITGA3-related conditions. Invitae Evidence Modeling of protein sequence and biophysical properties (such as structural, functional, and spatial information, amino acid conservation, physicochemical variation, residue mobility, and thermodynamic stability) indicates that this missense variant is not expected to disrupt ITGA3 protein function with a negative predictive value of 80%. In summary, the available evidence is currently insufficient to determine the role of this variant in disease. Therefore, it has been classified as a Variant of Uncertain Significance.